The following is an entry in ClinVar:

NM_000465.4(BARD1):c.514G>A (p.Asp172Asn)

Gene: BARD1 (BRCA1 associated RING domain 1; minus strand). Cytogenetic location: 2q35.
Variant type: single nucleotide variant.
Coding change: c.514G>A on transcript NM_000465.4 (MANE Select); coding-DNA position 514, G replaced by A.
Protein change: p.Asp172Asn; replaces aspartic acid 172 with asparagine.
Molecular consequence: missense variant. On other transcripts: non-coding transcript variant (2), intron variant (3).
Genome position (GRCh38, 1-based): chr2:214,781,360, C>T on the plus strand (G>A on the coding strand, the complement: BARD1 is on the minus strand). VCF-style: chr2-214781360-C-T. GRCh37 (hg19) VCF-style: chr2-215646084-C-T.
Other names: c.457G>A, p.Asp153Asn (NM_001282543.2); c.158+28052G>A (NM_001282548.2); c.215+15701G>A (NM_001282545.2); c.364+10937G>A (NM_001282549.2); short protein forms D153N, D172N.
Identifiers: ClinVar variation 825480 (VCV000825480.53), dbSNP rs759732945, ClinGen allele CA2090416.

ClinVar aggregate classification (germline): Conflicting classifications of pathogenicity. Review status: criteria provided, conflicting classifications (1 of 4 stars). 3 submissions from 3 submitters: Uncertain significance (2); Likely benign (1). Last evaluated 2025-09-23.

Conditions:
Hereditary cancer-predisposing syndrome. Also called: Tumor predisposition; Hereditary neoplastic syndrome; Neoplastic Syndromes, Hereditary; Hereditary Cancer Syndrome. Identifiers: Orphanet 140162, MedGen C0027672, MeSH D009386, MONDO:0015356.
Familial cancer of breast. Also called: hereditary breast carcinoma; Hereditary breast cancer; BREAST CANCER, FAMILIAL. Identifiers: Orphanet 227535, MedGen C0346153, MONDO:0016419, OMIM 114480. Disease mechanism: loss of function.

Allele frequency attached by ClinVar (database versions not stated): gnomAD exomes below 0.00001; ExAC 0.00001; gnomAD 0.00001; TOPMed 0.00001.
gnomAD v4.1: 4 of 1,613,554 alleles (0.00025%); highest among the groups gnomAD compares: Admixed American, 0.0017%; no homozygotes.

Submissions (3):

Labcorp Genetics (formerly Invitae), Labcorp
Classification: Uncertain significance for Familial cancer of breast. Last evaluated: 2025-09-23. Review status: criteria provided, single submitter. Criteria: Invitae Variant Classification Sherloc (09022015). Collection method: clinical testing. Allele origin: germline.
Comment: This sequence change replaces aspartic acid, which is acidic and polar, with asparagine, which is neutral and polar, at codon 172 of the BARD1 protein (p.Asp172Asn). This variant is present in population databases (rs759732945, gnomAD 0.003%). This variant has not been reported in the literature in individuals affected with BARD1-related conditions. ClinVar contains an entry for this variant (Variation ID: 825480). An algorithm developed to predict the effect of missense changes on protein structure and function outputs the following: PolyPhen-2: "Benign". The asparagine amino acid residue is found in multiple mammalian species, which suggests that this missense change does not adversely affect protein function. In summary, the available evidence is currently insufficient to determine the role of this variant in disease. Therefore, it has been classified as a Variant of Uncertain Significance.

Ambry Genetics
Classification: Likely benign for Hereditary cancer-predisposing syndrome. Last evaluated: 2024-02-26. Review status: criteria provided, single submitter. Criteria: Ambry Variant Classification Scheme 2023. Collection method: clinical testing. Allele origin: germline.

CeGaT Center for Human Genetics Tuebingen
Classification: Uncertain significance. Last evaluated: 2019-11-01. Review status: criteria provided, single submitter. Criteria: CeGaT Center For Human Genetics Tuebingen Variant Classification Criteria Version 2. Collection method: clinical testing. Allele origin: germline. Affected: yes. Observed: 1 variant allele.